The following is an entry in ClinVar:

ClinVar aggregate classification (germline): Pathogenic. Review status: reviewed by expert panel (3 of 4 stars). 3 submissions from 3 submitters: Pathogenic (1). 2 of the submissions do not count toward it. Last evaluated 2016-09-08.

Conditions:
Hereditary cancer-predisposing syndrome. Also called: Tumor predisposition; Neoplastic Syndromes, Hereditary; Hereditary Cancer Syndrome; Hereditary neoplastic syndrome. Identifiers: Orphanet 140162, MedGen C0027672, MeSH D009386, MONDO:0015356.
Breast-ovarian cancer, familial, susceptibility to, 1 (BROVCA1). Also called: OVARIAN CANCER, SUSCEPTIBILITY TO; BRCA1 Hereditary Breast and Ovarian Cancer. Identifiers: Orphanet 145, MedGen C2676676, MONDO:0011450, OMIM 604370. Disease mechanism: loss of function.

Submissions (3):

Evidence-based Network for the Interpretation of Germline Mutant Alleles (ENIGMA)
Classification: Pathogenic for Breast-ovarian cancer, familial, susceptibility to, 1. Last evaluated: 2016-09-08. Review status: reviewed by expert panel. Criteria: ENIGMA BRCA1/2 Classification Criteria (2015). Collection method: curation. Allele origin: germline.
Comment: Variant allele predicted to encode a truncated non-functional protein.

Ambry Genetics
Classification: Pathogenic for Hereditary cancer-predisposing syndrome. Last evaluated: 2025-03-31. Review status: criteria provided, single submitter. Criteria: Ambry Variant Classification Scheme 2023. Collection method: clinical testing. Allele origin: germline. Not counted in ClinVar's aggregate classification.
Comment: The c.2203delC pathogenic mutation, located in coding exon 9 of the BRCA1 gene, results from a deletion of one nucleotide at nucleotide position 2203, causing a translational frameshift with a predicted alternate stop codon (p.L735*). This variant is considered to be rare based on population cohorts in the Genome Aggregation Database (gnomAD). This alteration is expected to result in loss of function by premature protein truncation or nonsense-mediated mRNA decay. As such, this alteration is interpreted as a disease-causing mutation.

Breast Cancer Information Core (BIC) (BRCA1)
Classification: Pathogenic for Breast-ovarian cancer, familial 1. Review status: no assertion criteria provided. Collection method: clinical testing. Allele origin: germline. Affected: yes. Observed: 1 variant allele. Not counted in ClinVar's aggregate classification.

NM_007294.4(BRCA1):c.2203del (p.Lys734_Leu735insTer)

Gene: BRCA1 (BRCA1 DNA repair associated; minus strand). Cytogenetic location: 17q21.31.
Variant type: Deletion.
Coding change: c.2203del on transcript NM_007294.4 (MANE Select); coding-DNA position 2203, one base deleted (C; older notation c.2203delC).
Protein change: p.Lys734_Leu735insTer.
Molecular consequence: nonsense. On other transcripts: intron variant (137).
Genome position (GRCh38, 1-based): chr17:43,093,328, G deleted on the plus strand (C on the coding strand, the reverse complement: BRCA1 is on the minus strand). VCF-style (leftmost placement, unchanged base first): chr17-43093327-AG-A. GRCh37 (hg19) VCF-style: chr17-41245344-AG-A.
Other names: 2322delC; c.2203del, p.Lys734_Leu735insTer (NM_001407626.1, NM_001407639.1, NM_001407640.1 and 30 more transcripts); c.2200del, p.Lys733_Leu734insTer (NM_001407627.1, NM_001407628.1, NM_001407629.1 and 22 more transcripts); c.2194del, p.Lys731_Leu732insTer (NM_001407646.1, NM_001407647.1); c.2080del, p.Lys693_Leu694insTer (NM_001407648.1, NM_001407664.1, NM_001407665.1 and 19 more transcripts); c.2077del, p.Lys692_Leu693insTer (NM_001407649.1, NM_001407670.1, NM_001407671.1 and 11 more transcripts); c.2125del, p.Lys708_Leu709insTer (NM_001407653.1, NM_001407654.1, NM_001407655.1 and 4 more transcripts); c.2122del, p.Lys707_Leu708insTer (NM_001407659.1, NM_001407660.1, NM_001407661.1 and 1 more transcripts); and 42 more.
Identifiers: ClinVar variation 54497 (VCV000054497.4), dbSNP rs80357936, ClinGen allele CA001473.